The following continues an entry in ClinVar:

NM_153704.6(TMEM67):c.579_580del (p.Gly195fs)

Gene: TMEM67. ClinVar aggregate classification (germline): Pathogenic/Likely pathogenic. Pathogenic (14); Likely pathogenic (1).

Submissions 12 to 16 of 16:

Illumina Laboratory Services, Illumina
Classification: Likely pathogenic for TMEM67-Related Disorders. Last evaluated: 2017-04-28. Review status: criteria provided, single submitter. Criteria: ICSL Variant Classification Criteria 09 May 2019. Collection method: clinical testing. Allele origin: germline.
Comment: The TMEM67 c.579_580delAG (p.Gly195IlefsTer13) variant results in a frameshift and is predicted to result in premature termination of the protein. The p.Gly195IlefsTer13 variant has been reported in five studies in which it is found in a total of seven individuals, including one homozygote and one compound heterozygote with Meckel syndrome, one homozygote with either Meckel or Joubert syndrome, two compound heterozygotes with Joubert syndrome, and two compound heterozygotes with COACH syndrome (Brancati et al. 2009; Iannicelli et al. 2010; Halbritter et al. 2013; Bachmann-Gagescu et al. 2015; Watson et al. 2016). Control data are unavailable for the p.Gly195IlefsTer13 variant, which is reported at a frequency of 0.00048 in the European (non-Finnish) population of the Exome Aggregation Consortium. Based on the evidence and due to the potential impact of frameshift variants, the p.Gly195IlefsTer13 variant is classified as pathogenic for TMEM67-related disorders. This variant was observed by ICSL as part of a predisposition screen in an ostensibly healthy population.

UW Hindbrain Malformation Research Program, University of Washington
Classification: Pathogenic for Joubert syndrome 6. Last evaluated: 2015-02-23. Review status: criteria provided, single submitter. Criteria: Bachmann-Gagescu et al. (J Med Genet. 2015). Collection method: research. Allele origin: unknown. Affected: yes.

Genetic Services Laboratory, University of Chicago
Classification: Pathogenic for Joubert syndrome 6. Last evaluated: 2014-06-18. Review status: criteria provided, single submitter. Criteria: ACMG Guidelines, 2015. Collection method: clinical testing. Allele origin: germline. Affected: yes.

Juno Genomics, Hangzhou Juno Genomics, Inc
Classification: Pathogenic for RHYNS syndrome; Bardet-Biedl syndrome 14; COACH syndrome 1; Joubert syndrome 6; Meckel syndrome, type 3; Nephronophthisis 11. Review status: criteria provided, single submitter. Criteria: ACMG Guidelines, 2015. Collection method: clinical testing. Allele origin: germline. Affected: yes.
Comment: Null variant in a gene where loss of function (LOF) is a known mechanism of disease.;Absent from controls (or at extremely low frequency if recessive) in Genome Aggregation Database, Exome Sequencing Project, 1000 Genomes Project, or Exome Aggregation Consortium.;For recessive disorders, detected in trans with a pathogenic variant.

Juha Muilu Group; Institute for Molecular Medicine Finland (FIMM)
Classification: Likely pathogenic for Meckel syndrome type 3. Review status: no assertion criteria provided. Collection method: not provided. Allele origin: unknown. Not counted in ClinVar's aggregate classification.
Comment: FinDis database variant: This variant was not found or characterized by our laboratory, data were collected from public sources: see reference
ClinVar note: Converted during submission from probable-pathogenic to Likely pathogenic.

Literature cited by the submitters: PubMed 20232449 (cited by 4 submitters); PubMed 23559409 (cited by 3 submitters); PubMed 19058225 (cited by 4 submitters); PubMed 26092869 (cited by Labcorp Genetics (formerly Invitae), Labcorp and Illumina Laboratory Services, Illumina); PubMed 26729329 (cited by 3 submitters); PubMed 28431631 (cited by Labcorp Genetics (formerly Invitae), Labcorp); PubMed 29146704 (cited by Women's Health and Genetics/Laboratory Corporation of America, LabCorp); PubMed 30712878 (cited by New York Genome Center); PubMed 31974414 (cited by New York Genome Center).